The following is an entry in ClinVar:

ClinVar aggregate classification (germline): Pathogenic (1 of 4 stars; one submission).

Conditions:
Autosomal recessive severe congenital neutropenia due to CSF3R deficiency. Also called: Neutropenia, severe congenital, 7, autosomal recessive. Identifiers: Orphanet 420702, MedGen C4310764, MONDO:0014865, OMIM 617014.

Submission:

Labcorp Genetics (formerly Invitae), Labcorp
Classification: Pathogenic for Autosomal recessive severe congenital neutropenia due to CSF3R deficiency. Last evaluated: 2024-05-04. Review status: criteria provided, single submitter. Criteria: Invitae Variant Classification Sherloc (09022015). Collection method: clinical testing. Allele origin: germline.
Comment: This sequence change creates a premature translational stop signal (p.Trp279*) in the CSF3R gene. It is expected to result in an absent or disrupted protein product. Loss-of-function variants in CSF3R are known to be pathogenic (PMID: 24753537, 26324699). This variant is not present in population databases (gnomAD no frequency). This variant has not been reported in the literature in individuals affected with CSF3R-related conditions. Algorithms developed to predict the effect of sequence changes on RNA splicing suggest that this variant may disrupt the consensus splice site. For these reasons, this variant has been classified as Pathogenic.

Literature cited by the submitters: PubMed 24753537; PubMed 26324699.

NM_000760.4(CSF3R):c.832_835dup (p.Trp279Ter)

Gene: CSF3R (colony stimulating factor 3 receptor; minus strand). Cytogenetic location: 1p34.3.
Variant type: Duplication.
Coding change: c.832_835dup on transcript NM_000760.4 (MANE Select); coding-DNA positions 832 to 835, 4 bases duplicated (AGCT; older notation c.832_835dupAGCT).
Protein change: p.Trp279Ter; replaces tryptophan 279 with a stop codon.
Molecular consequence: nonsense.
Genome position (GRCh38, 1-based): chr1:36,472,525-36,472,528, AGCT duplicated on the plus strand (AGCT on the coding strand, the reverse complement: CSF3R is on the minus strand). VCF-style (leftmost placement, unchanged base first): chr1-36472524-C-CAGCT. GRCh37 (hg19) VCF-style: chr1-36938125-C-CAGCT.
Other names: c.832_835dup, p.Trp279Ter (NM_156039.3, NM_172313.3); short protein forms W279*.
Identifiers: ClinVar variation 3603443 (VCV003603443.2).